The following is an entry in ClinVar:

NM_173076.3(ABCA12):c.429_448del (p.Ser144fs)

Gene: ABCA12 (ATP binding cassette subfamily A member 12; minus strand). Cytogenetic location: 2q35.
Variant type: Deletion.
Coding change: c.429_448del on transcript NM_173076.3 (MANE Select); coding-DNA positions 429 to 448, 20 bases deleted (AAGTTCTGATTTGGAAATCC).
Protein change: p.Ser144fs; shifts the reading frame from serine 144.
Molecular consequence: frameshift variant. On other transcripts: non-coding transcript variant (1).
Genome position (GRCh38, 1-based): chr2:215,052,546-215,052,565, GGATTTCCAAATCAGAACTT deleted on the plus strand (AAGTTCTGATTTGGAAATCC on the coding strand, the reverse complement: ABCA12 is on the minus strand); deleting any 20 consecutive bases within chr2:215,052,546-215,052,568 gives the same sequence; the c. name uses the placement nearest the transcript's 3' end. VCF-style (leftmost placement, unchanged base first): chr2-215052545-GGGATTTCCAAATCAGAACTT-G. GRCh37 (hg19) VCF-style: chr2-215917269-GGGATTTCCAAATCAGAACTT-G.
Other names: short protein forms S144fs.
Identifiers: ClinVar variation 4887971 (VCV004887971.1).
Genomic context (GRCh38, chr2:215,052,545, plus strand): 5'-ACCTTTTCCAAGCCAAGAATTCGTGCGAGCACTTGACTGCCATTGAAAGTATATGTTCCG[GGGATTTCCAAATCAGAACTT>G]GGACTGGGAAATACTGTGGCTGTAATCAAAGAAGGAACAGATTAGCATTCCACACACACA-3'

ClinVar aggregate classification (germline): Likely pathogenic (1 of 4 stars; one submission).

Conditions:
Autosomal recessive congenital ichthyosis 4B (ARCI4B). Also called: HARLEQUIN ICHTHYOSIS; ICHTHYOSIS CONGENITA, HARLEQUIN FETUS TYPE; Ichthyosis, congenital, autosomal recessive 4B (harlequin); Harlequin Fetus. Identifiers: Orphanet 457, MedGen C0598226, MONDO:0009443, OMIM 242500.

Submission:

Center of Reproductive Medicine, Zhuhai Center for Maternal and Child Health Care, South China University of Technology
Classification: Likely pathogenic for Autosomal recessive congenital ichthyosis 4B. Last evaluated: 2026-08-28. Review status: criteria provided, single submitter. Criteria: ACMG Guidelines, 2015. Collection method: provider interpretation. Allele origin: germline. Inheritance: Autosomal recessive inheritance. Affected: yes. Observed: 1 variant allele, 1 compound heterozygote.
Comment: The ABCA12 c.429_448del variant is a frameshift variant predicted to result in loss of function. Loss of function of ABCA12 is an established disease mechanism for autosomal recessive congenital ichthyosis 4B (harlequin ichthyosis). The variant is absent or extremely rare in population databases. Whole-exome sequencing identified this variant in compound heterozygosity with the pathogenic ABCA12 variant c.5121_5124del. Based on ACMG/AMP criteria PVS1 and PM2, this variant was classified as likely pathogenic.

Literature cited by the submitters: PubMed 30187851; PubMed 15756637.